The following is an entry in ClinVar:

ClinVar aggregate classification (germline): Uncertain significance (1 of 4 stars; one submission).

Submission:

Labcorp Genetics (formerly Invitae), Labcorp
Classification: Uncertain significance. Last evaluated: 2024-07-23. Review status: criteria provided, single submitter. Criteria: Invitae Variant Classification Sherloc (09022015). Collection method: clinical testing. Allele origin: germline.
Comment: This sequence change replaces glycine, which is neutral and non-polar, with tryptophan, which is neutral and slightly polar, at codon 47 of the ADCY5 protein (p.Gly47Trp). This variant is not present in population databases (gnomAD no frequency). This missense change has been observed in individual(s) with dystonia (PMID: 35041927). Advanced modeling of protein sequence and biophysical properties (such as structural, functional, and spatial information, amino acid conservation, physicochemical variation, residue mobility, and thermodynamic stability) performed at Invitae indicates that this missense variant is not expected to disrupt ADCY5 protein function with a negative predictive value of 95%. In summary, the available evidence is currently insufficient to determine the role of this variant in disease. Therefore, it has been classified as a Variant of Uncertain Significance.

Literature cited by the submitters: PubMed 35041927.

NM_183357.3(ADCY5):c.139G>T (p.Gly47Trp)

Gene: ADCY5 (adenylate cyclase 5; minus strand). Cytogenetic location: 3q21.1.
Variant type: single nucleotide variant.
Coding change: c.139G>T on transcript NM_183357.3 (MANE Select); coding-DNA position 139, G replaced by T.
Protein change: p.Gly47Trp; replaces glycine 47 with tryptophan.
Molecular consequence: missense variant.
Genome position (GRCh38, 1-based): chr3:123,448,407, C>A on the plus strand (G>T on the coding strand, the complement: ADCY5 is on the minus strand). VCF-style: chr3-123448407-C-A. GRCh37 (hg19) VCF-style: chr3-123167254-C-A.
Other names: c.139G>T, p.Gly47Trp (NM_001378259.1); short protein forms G47W.
Identifiers: ClinVar variation 3683823 (VCV003683823.2).